The following is an entry in ClinVar:

NM_001267550.2(TTN):c.39709+7G>A

Gene: TTN (titin; minus strand). Cytogenetic location: 2q31.2.
Variant type: single nucleotide variant.
Coding change: c.39709+7G>A on transcript NM_001267550.2 (MANE Select); 7 bases into the intron after coding-DNA position 39709, G replaced by A.
Molecular consequence: intron variant.
Genome position (GRCh38, 1-based): chr2:178,650,744, C>T on the plus strand (G>A on the coding strand, the complement: TTN is on the minus strand). VCF-style: chr2-178650744-C-T. GRCh37 (hg19) VCF-style: chr2-179515471-C-T.
Other names: c.13283-8427G>A (NM_003319.4); c.13859-8427G>A (NM_133437.4); c.13658-8427G>A (NM_133432.3); c.32407+7G>A (NM_133378.4); c.35188+7G>A (NM_001256850.1).
Identifiers: ClinVar variation 467111 (VCV000467111.40), dbSNP rs750763722, ClinGen allele CA1996625.

ClinVar aggregate classification (germline): Conflicting classifications of pathogenicity. Review status: criteria provided, conflicting classifications (1 of 4 stars). 8 submissions from 4 submitters: Uncertain significance (5); Likely benign (3). Last evaluated 2026-01-12.

Conditions:
Early-onset myopathy with fatal cardiomyopathy (CMYO5). Also called: Salih Myopathy; CONGENITAL MYOPATHY 5 WITH CARDIOMYOPATHY. Identifiers: Orphanet 289377, MedGen C2673677, MONDO:0012714, OMIM 611705. Disease mechanism: loss of function.
Dilated cardiomyopathy 1G (CMD1G). Identifiers: Orphanet 154, MedGen C1858763, MONDO:0011400, OMIM 604145.
Autosomal recessive limb-girdle muscular dystrophy type 2J (LGMDR10). Also called: Limb-girdle muscular dystrophy, type 2J; MUSCULAR DYSTROPHY, LIMB-GIRDLE, AUTOSOMAL RECESSIVE 10. Identifiers: Orphanet 140922, MedGen C1837342, MONDO:0012127, OMIM 608807.
Myopathy, myofibrillar, 9, with early respiratory failure (MFM9). Also called: Hereditary myopathy with early respiratory failure; MYOPATHY, PROXIMAL, WITH EARLY RESPIRATORY MUSCLE INVOLVEMENT; Myopathy, distal, with early respiratory failure, autosomal dominant; EDSTROM MYOPATHY. Identifiers: Orphanet 178464, Orphanet 34521, MedGen C1863599, MONDO:0011362, OMIM 603689.
Tibial muscular dystrophy (TMD). Also called: UDD MYOPATHY; Tibial muscular dystrophy, tardive; Udd Distal Myopathy – Tibial Muscular Dystrophy. Identifiers: Orphanet 609, MedGen C1838244, MONDO:0010870, OMIM 600334.

Allele frequency attached by ClinVar (database versions not stated): gnomAD 0.00001; ExAC 0.00002; gnomAD exomes 0.00003; TOPMed 0.00004.
gnomAD v4.1: 133 of 1,597,794 alleles (0.0083%); highest among the groups gnomAD compares: Non-Finnish European, 0.011%; no homozygotes.

Submissions (8):

Labcorp Genetics (formerly Invitae), Labcorp
Classification: Likely benign for Dilated cardiomyopathy 1G; Autosomal recessive limb-girdle muscular dystrophy type 2J. Last evaluated: 2026-01-12. Review status: criteria provided, single submitter. Criteria: Invitae Variant Classification Sherloc (09022015). Collection method: clinical testing. Allele origin: germline.

CeGaT Center for Human Genetics Tuebingen
Classification: Likely benign. Last evaluated: 2025-08-01. Review status: criteria provided, single submitter. Criteria: CeGaT Center For Human Genetics Tuebingen Variant Classification Criteria Version 2. Collection method: clinical testing. Allele origin: germline. Affected: yes. Observed: 2 variant alleles.
Comment: TTN: BP4

Blueprint Genetics
Classification: Likely benign. Last evaluated: 2021-09-23. Review status: criteria provided, single submitter. Criteria: ACMG Guidelines, 2015. Collection method: clinical testing. Allele origin: germline.

Illumina Laboratory Services, Illumina
Classification: Uncertain significance for Dilated cardiomyopathy 1G. Last evaluated: 2018-01-13. Review status: criteria provided, single submitter. Criteria: ICSL Variant Classification Criteria 13 December 2019. Collection method: clinical testing. Allele origin: germline.

Illumina Laboratory Services, Illumina
Classification: Uncertain significance for Tibial muscular dystrophy. Last evaluated: 2018-01-13. Review status: criteria provided, single submitter. Criteria: ICSL Variant Classification Criteria 13 December 2019. Collection method: clinical testing. Allele origin: germline.

Illumina Laboratory Services, Illumina
Classification: Uncertain significance for Myopathy, myofibrillar, 9, with early respiratory failure. Last evaluated: 2018-01-13. Review status: criteria provided, single submitter. Criteria: ICSL Variant Classification Criteria 13 December 2019. Collection method: clinical testing. Allele origin: germline.

Illumina Laboratory Services, Illumina
Classification: Uncertain significance for Early-onset myopathy with fatal cardiomyopathy. Last evaluated: 2018-01-13. Review status: criteria provided, single submitter. Criteria: ICSL Variant Classification Criteria 13 December 2019. Collection method: clinical testing. Allele origin: germline.

Illumina Laboratory Services, Illumina
Classification: Uncertain significance for Autosomal recessive limb-girdle muscular dystrophy type 2J. Last evaluated: 2018-01-13. Review status: criteria provided, single submitter. Criteria: ICSL Variant Classification Criteria 13 December 2019. Collection method: clinical testing. Allele origin: germline.